The following is an entry in ClinVar:

NM_001099922.3(ALG13):c.2111G>A (p.Arg704His)

Gene: ALG13 (ALG13 UDP-N-acetylglucosaminyltransferase subunit; plus strand). Cytogenetic location: Xq23.
Variant type: single nucleotide variant.
Coding change: c.2111G>A on transcript NM_001099922.3 (MANE Select); coding-DNA position 2111, G replaced by A.
Protein change: p.Arg704His; replaces arginine 704 with histidine.
Molecular consequence: missense variant. On other transcripts: non-coding transcript variant (1).
Genome position (GRCh38, 1-based): chrX:111,727,634, G>A. VCF-style: chrX-111727634-G-A. GRCh37 (hg19) VCF-style: chrX-110970862-G-A.
Other names: c.1799G>A, p.Arg600His (NM_001257230.2, NM_001257234.2, NM_001257237.2); c.1877G>A, p.Arg626His (NM_001257231.2); c.2111G>A, p.Arg704His (NM_001324292.2); c.1625G>A, p.Arg542His (NM_001324293.1); short protein forms R542H, R600H, R626H, R704H.
Identifiers: ClinVar variation 1800523 (VCV001800523.1), dbSNP rs2525956981, ClinGen allele CA414253292.
Genomic context (GRCh38, chrX:111,727,634, plus strand): 5'-TTTCATCATTTTTACTTTTTTATTATTTGAACCACTTAAGTTCATTTAGACGTAGTCACC[G>A]CCAGATGAGTTGTGTGAATAAGGAGTCCCAGTATGGATTTACCCCAGGGAATGGACAGAT-3'
Protein context (NP_001093392.1, residues 694-714): YRSRSFRRSH[Arg704His]QMSCVNKESQ

ClinVar aggregate classification (germline): Uncertain significance (1 of 4 stars; one submission).

Allele frequency attached by ClinVar (database versions not stated): gnomAD exomes below 0.00001.
gnomAD v4.1: 1 of 1,206,392 alleles (0.000083%); highest among the groups gnomAD compares: Non-Finnish European, 0.00011%; no homozygotes.

Submission:

GeneDx
Classification: Uncertain significance. Last evaluated: 2022-05-19. Review status: criteria provided, single submitter. Criteria: GeneDx Variant Classification Process June 2021. Collection method: clinical testing. Allele origin: germline. Affected: yes.
Comment: Not observed at significant frequency in large population cohorts (gnomAD); In silico analysis supports that this missense variant has a deleterious effect on protein structure/function; Has not been previously published as pathogenic or benign to our knowledge